The following is an entry in ClinVar:

ClinVar aggregate classification (germline): Uncertain significance (1 of 4 stars; one submission).

Conditions:
Emery-Dreifuss muscular dystrophy 5, autosomal dominant (EDMD5). Also called: EMERY-DREIFUSS MUSCULAR DYSTROPHY 5. Identifiers: Orphanet 261, MedGen C2751805, MONDO:0013072, OMIM 612999.

Allele frequency attached by ClinVar (database versions not stated): gnomAD exomes below 0.00001; ExAC 0.00002.
gnomAD v4.1: 2 of 1,614,126 alleles (0.00012%); highest among the groups gnomAD compares: Non-Finnish European, 0.00017%; no homozygotes.

Submission:

Labcorp Genetics (formerly Invitae), Labcorp
Classification: Uncertain significance for Emery-Dreifuss muscular dystrophy 5, autosomal dominant. Last evaluated: 2024-05-19. Review status: criteria provided, single submitter. Criteria: Invitae Variant Classification Sherloc (09022015). Collection method: clinical testing. Allele origin: germline.
Comment: This sequence change replaces valine, which is neutral and non-polar, with alanine, which is neutral and non-polar, at codon 278 of the SYNE2 protein (p.Val278Ala). This variant is present in population databases (rs766210591, gnomAD 0.002%). This variant has not been reported in the literature in individuals affected with SYNE2-related conditions. An algorithm developed to predict the effect of missense changes on protein structure and function (PolyPhen-2) suggests that this variant is likely to be disruptive. In summary, the available evidence is currently insufficient to determine the role of this variant in disease. Therefore, it has been classified as a Variant of Uncertain Significance.

NM_182914.3(SYNE2):c.833T>C (p.Val278Ala)

Gene: SYNE2 (spectrin repeat containing nuclear envelope protein 2; plus strand). Cytogenetic location: 14q23.2.
Variant type: single nucleotide variant.
Coding change: c.833T>C on transcript NM_182914.3 (MANE Select); coding-DNA position 833, T replaced by C.
Protein change: p.Val278Ala; replaces valine 278 with alanine.
Molecular consequence: missense variant.
Genome position (GRCh38, 1-based): chr14:63,961,570, T>C. VCF-style: chr14-63961570-T-C. GRCh37 (hg19) VCF-style: chr14-64428288-T-C.
Other names: c.833T>C, p.Val278Ala (NM_015180.6); short protein forms V278A.
Identifiers: ClinVar variation 2727899 (VCV002727899.3), dbSNP rs766210591, ClinGen allele CA7219242.